The following is an entry in ClinVar:

ClinVar aggregate classification (germline): Uncertain significance (1 of 4 stars; one submission).

Submission:

Labcorp Genetics (formerly Invitae), Labcorp
Classification: Uncertain significance. Last evaluated: 2025-02-03. Review status: criteria provided, single submitter. Criteria: Invitae Variant Classification Sherloc (09022015). Collection method: clinical testing. Allele origin: germline.
Comment: This sequence change replaces serine, which is neutral and polar, with glycine, which is neutral and non-polar, at codon 567 of the NSD1 protein (p.Ser567Gly). This variant is present in population databases (no rsID available, gnomAD 0.007%). This variant has not been reported in the literature in individuals affected with NSD1-related conditions. ClinVar contains an entry for this variant (Variation ID: 2163786). Invitae Evidence Modeling of protein sequence and biophysical properties (such as structural, functional, and spatial information, amino acid conservation, physicochemical variation, residue mobility, and thermodynamic stability) indicates that this missense variant is not expected to disrupt NSD1 protein function with a negative predictive value of 95%. In summary, the available evidence is currently insufficient to determine the role of this variant in disease. Therefore, it has been classified as a Variant of Uncertain Significance.

NM_022455.5(NSD1):c.1699A>G (p.Ser567Gly)

Gene: NSD1 (nuclear receptor binding SET domain protein 1; plus strand). Cytogenetic location: 5q35.3.
Variant type: single nucleotide variant.
Coding change: c.1699A>G on transcript NM_022455.5 (MANE Select); coding-DNA position 1699, A replaced by G.
Protein change: p.Ser567Gly; replaces serine 567 with glycine.
Molecular consequence: missense variant.
Genome position (GRCh38, 1-based): chr5:177,210,098, A>G. VCF-style: chr5-177210098-A-G. GRCh37 (hg19) VCF-style: chr5-176637099-A-G.
Other names: c.826A>G, p.Ser276Gly (NM_001365684.2, NM_001409306.1, NM_001409307.1 and 3 more transcripts); c.1699A>G, p.Ser567Gly (NM_001409301.1, NM_001409302.1, NM_001409303.1); c.1279A>G, p.Ser427Gly (NM_001409304.1); c.946A>G, p.Ser316Gly (NM_001409305.1); short protein forms S567G, S298G, S427G, S276G, S316G.
Identifiers: ClinVar variation 2163786 (VCV002163786.4), dbSNP rs1168342939, ClinGen allele CA362310917.